The following is an entry in ClinVar:

NM_000197.2(HSD17B3):c.383T>C (p.Leu128Ser)

Genes: HSD17B3 (hydroxysteroid 17-beta dehydrogenase 3; minus strand), SLC35D2-HSD17B3 (SLC35D2-HSD17B3 readthrough; minus strand). Cytogenetic location: 9q22.32.
Variant type: single nucleotide variant.
Coding change: c.383T>C on transcript NM_000197.2 (MANE Select); coding-DNA position 383, T replaced by C.
Protein change: p.Leu128Ser; replaces leucine 128 with serine.
Molecular consequence: missense variant.
Genome position (GRCh38, 1-based): chr9:96,252,805, A>G on the plus strand (T>C on the coding strand, the complement: HSD17B3 is on the minus strand). VCF-style: chr9-96252805-A-G. GRCh37 (hg19) VCF-style: chr9-99015087-A-G.
Other names: short protein forms L128S.
Identifiers: ClinVar variation 492762 (VCV000492762.2), dbSNP rs767765046, ClinGen allele CA5140445.

ClinVar aggregate classification (germline): Uncertain significance. Review status: criteria provided, single submitter (1 of 4 stars). 2 submissions from 2 submitters: Uncertain significance (1). 1 of the submissions does not count toward it. Last evaluated 2025-06-27.

Conditions:
Pseudohermaphroditism. Identifiers: MedGen C0033804, MONDO:0005518.

Allele frequency attached by ClinVar (database versions not stated): ExAC 0.00002.
gnomAD v4.1: 6 of 1,574,894 alleles (0.00038%); highest among the groups gnomAD compares: South Asian, 0.0066%; no homozygotes.

Submissions (2):

Women's Health and Genetics/Laboratory Corporation of America, LabCorp
Classification: Uncertain significance. Last evaluated: 2025-06-27. Review status: criteria provided, single submitter. Criteria: LabCorp Variant Classification Summary - May 2015. Collection method: clinical testing. Allele origin: germline.
Comment: Variant summary: HSD17B3 c.383T>C (p.Leu128Ser) results in a non-conservative amino acid change in the encoded protein sequence. Algorithms developed to predict the effect of missense changes on protein structure and function all suggest that this variant is likely to be disruptive. Consensus agreement among computation tools predict no significant impact on normal splicing. However, these predictions have yet to be confirmed by functional studies. The variant allele was found at a frequency of 8e-06 in 251322 control chromosomes. c.383T>C has been observed in one homozygous individual affected with clinical features of Testosterone 17-beta-dehydrogenase deficiency (Eggers_2016). These data indicate that the variant may be associated with disease. To our knowledge, no experimental evidence demonstrating an impact on protein function has been reported. The following publications have been ascertained in the context of this evaluation (PMID: 36563763, 27899157). ClinVar contains an entry for this variant (Variation ID: 492762). Based on the evidence outlined above, the variant was classified as VUS-possibly pathogenic.

Clinical Molecular Genetics Laboratory, Johns Hopkins All Children's Hospital
Classification: Likely pathogenic for Pseudohermaphroditism. Last evaluated: 2017-03-29. Review status: no assertion criteria provided. Collection method: clinical testing. Allele origin: germline. Affected: yes. Not counted in ClinVar's aggregate classification.

Literature cited by the submitters: PubMed 27899157 (cited by Women's Health and Genetics/Laboratory Corporation of America, LabCorp); PubMed 36563763 (cited by Women's Health and Genetics/Laboratory Corporation of America, LabCorp).